The following is an entry in ClinVar:

NM_024675.4(PALB2):c.1433C>T (p.Ser478Phe)

Gene: PALB2 (partner and localizer of BRCA2; minus strand). Cytogenetic location: 16p12.2.
Variant type: single nucleotide variant.
Coding change: c.1433C>T on transcript NM_024675.4 (MANE Select); coding-DNA position 1433, C replaced by T.
Protein change: p.Ser478Phe; replaces serine 478 with phenylalanine.
Molecular consequence: missense variant.
Genome position (GRCh38, 1-based): chr16:23,635,113, G>A on the plus strand (C>T on the coding strand, the complement: PALB2 is on the minus strand). VCF-style: chr16-23635113-G-A. GRCh37 (hg19) VCF-style: chr16-23646434-G-A.
Other names: short protein forms S478F.
Identifiers: ClinVar variation 187630 (VCV000187630.22), dbSNP rs786203879, ClinGen allele CA198138.

ClinVar aggregate classification (germline): Uncertain significance. Review status: criteria provided, multiple submitters, no conflicts (2 of 4 stars). 4 submissions from 4 submitters: Uncertain significance (4). Last evaluated 2025-10-14.

Conditions:
Hereditary cancer-predisposing syndrome. Also called: Neoplastic Syndromes, Hereditary; Tumor predisposition; Hereditary Cancer Syndrome; Hereditary neoplastic syndrome. Identifiers: Orphanet 140162, MedGen C0027672, MeSH D009386, MONDO:0015356.
Familial cancer of breast. Also called: BREAST CANCER, FAMILIAL; Hereditary breast cancer; hereditary breast carcinoma. Identifiers: Orphanet 227535, MedGen C0346153, MONDO:0016419, OMIM 114480. Disease mechanism: loss of function.

Allele frequency attached by ClinVar (database versions not stated): gnomAD exomes below 0.00001; TOPMed below 0.00001.

Submissions (4):

Ambry Genetics
Classification: Uncertain significance for Hereditary cancer-predisposing syndrome. Last evaluated: 2025-10-14. Review status: criteria provided, single submitter. Criteria: Ambry Variant Classification Scheme 2023. Collection method: clinical testing. Allele origin: germline.
Comment: The p.S478F variant (also known as c.1433C>T), located in coding exon 4 of the PALB2 gene, results from a C to T substitution at nucleotide position 1433. The serine at codon 478 is replaced by phenylalanine, an amino acid with highly dissimilar properties. This amino acid position is poorly conserved in available vertebrate species. In addition, this alteration is predicted to be tolerated by in silico analysis. Since supporting evidence is limited at this time, the clinical significance of this alteration remains unclear.

Labcorp Genetics (formerly Invitae), Labcorp
Classification: Uncertain significance for Familial cancer of breast. Last evaluated: 2025-02-10. Review status: criteria provided, single submitter. Criteria: Invitae Variant Classification Sherloc (09022015). Collection method: clinical testing. Allele origin: germline.
Comment: This sequence change replaces serine, which is neutral and polar, with phenylalanine, which is neutral and non-polar, at codon 478 of the PALB2 protein (p.Ser478Phe). This variant is present in population databases (rs786203879, gnomAD 0.003%). This variant has not been reported in the literature in individuals affected with PALB2-related conditions. ClinVar contains an entry for this variant (Variation ID: 187630). Invitae Evidence Modeling of protein sequence and biophysical properties (such as structural, functional, and spatial information, amino acid conservation, physicochemical variation, residue mobility, and thermodynamic stability) indicates that this missense variant is not expected to disrupt PALB2 protein function with a negative predictive value of 80%. In summary, the available evidence is currently insufficient to determine the role of this variant in disease. Therefore, it has been classified as a Variant of Uncertain Significance.

Color Diagnostics, LLC DBA Color Health
Classification: Uncertain significance for Hereditary cancer-predisposing syndrome. Last evaluated: 2022-03-17. Review status: criteria provided, single submitter. Criteria: ACMG Guidelines, 2015. Collection method: clinical testing. Allele origin: germline.
Comment: This missense variant replaces serine with phenylalanine at codon 478 of the PALB2 protein. Computational prediction suggests that this variant may not impact protein structure and function (internally defined REVEL score threshold <= 0.5, PMID: 27666373). To our knowledge, functional studies have not been reported for this variant. This variant has not been reported in individuals affected with hereditary cancer in the literature. This variant has been identified in 1/251258 chromosomes in the general population by the Genome Aggregation Database (gnomAD). The available evidence is insufficient to determine the role of this variant in disease conclusively. Therefore, this variant is classified as a Variant of Uncertain Significance.

Women's Health and Genetics/Laboratory Corporation of America, LabCorp
Classification: Uncertain significance. Last evaluated: 2021-10-28. Review status: criteria provided, single submitter. Criteria: LabCorp Variant Classification Summary - May 2015. Collection method: clinical testing. Allele origin: germline.
Comment: Variant summary: PALB2 c.1433C>T (p.Ser478Phe) results in a non-conservative amino acid change in the encoded protein sequence. Three of five in-silico tools predict a damaging effect of the variant on protein function. The variant allele was found at a frequency of 4e-06 in 251258 control chromosomes (gnomAD). The available data on variant occurrences in the general population are insufficient to allow any conclusion about variant significance. To our knowledge, no occurrence of c.1433C>T in individuals affected with Breast Cancer and no experimental evidence demonstrating its impact on protein function have been reported. Three clinical diagnostic laboratories have submitted clinical-significance assessments for this variant to ClinVar after 2014 and all laboratories classified the variant as uncertain significance. Based on the evidence outlined above, the variant was classified as uncertain significance.